The following is an entry in ClinVar:

NM_021956.5(GRIK2):c.1779C>A (p.His593Gln)

Gene: GRIK2 (glutamate ionotropic receptor kainate type subunit 2; plus strand). Cytogenetic location: 6q16.3.
Variant type: single nucleotide variant.
Coding change: c.1779C>A on transcript NM_021956.5 (MANE Select); coding-DNA position 1779, C replaced by A.
Protein change: p.His593Gln; replaces histidine 593 with glutamine.
Molecular consequence: missense variant.
Genome position (GRCh38, 1-based): chr6:101,924,631, C>A. VCF-style: chr6-101924631-C-A. GRCh37 (hg19) VCF-style: chr6-102372506-C-A.
Other names: c.1779C>A, p.His593Gln (NM_001166247.1, NM_175768.3); short protein forms H593Q.
Identifiers: ClinVar variation 4838843 (VCV004838843.1).

ClinVar aggregate classification (germline): Uncertain significance (1 of 4 stars; one submission).

Conditions:
Inborn genetic diseases. Identifiers: MedGen C0950123, MeSH D030342.

Submission:

Ambry Genetics
Classification: Uncertain significance for Inborn genetic diseases. Last evaluated: 2025-12-30. Review status: criteria provided, single submitter. Criteria: Ambry Variant Classification Scheme 2023. Collection method: clinical testing. Allele origin: germline.
Comment: The c.1779C>A (p.H593Q) alteration is located in exon 12 (coding exon 12) of the GRIK2 gene. This alteration results from a C to A substitution at nucleotide position 1779, causing the histidine (H) at amino acid position 593 to be replaced by a glutamine (Q). Based on data from gnomAD, the A allele has an overall frequency of 0.003% (1/31402) total alleles studied. The highest observed frequency was 0.007% (1/15428) of European (non-Finnish) alleles. Based on insufficient or conflicting evidence, the clinical significance of this alteration remains unclear.